The following is an entry in ClinVar:

ClinVar aggregate classification (germline): Likely benign. Review status: criteria provided, single submitter (1 of 4 stars). 2 submissions from 2 submitters: Likely benign (1). 1 of the submissions does not count toward it. Last evaluated 2021-09-23.

Conditions:
LEPR-related disorder. Also called: LEPR-related condition; LEPR-related disorders.

gnomAD v4.1: 6 of 1,611,474 alleles (0.00037%); highest among the groups gnomAD compares: Non-Finnish European, 0.00051%; no homozygotes.

Submissions (2):

Blueprint Genetics
Classification: Likely benign. Last evaluated: 2021-09-23. Review status: criteria provided, single submitter. Criteria: ACMG Guidelines, 2015. Collection method: clinical testing. Allele origin: germline.

PreventionGenetics, part of Exact Sciences
Classification: Likely benign for LEPR-related condition. Last evaluated: 2023-11-02. Review status: no assertion criteria provided. Collection method: clinical testing. Allele origin: germline. Not counted in ClinVar's aggregate classification.
Comment: This variant is classified as likely benign based on ACMG/AMP sequence variant interpretation guidelines (Richards et al. 2015 PMID: 25741868, with internal and published modifications).

NM_002303.6(LEPR):c.2340T>C (p.Asp780=)

Gene: LEPR (leptin receptor; plus strand). Cytogenetic location: 1p31.3.
Variant type: single nucleotide variant.
Coding change: c.2340T>C on transcript NM_002303.6 (MANE Select); coding-DNA position 2340, T replaced by C.
Protein change: p.Asp780=; no amino-acid change (aspartic acid 780 retained).
Molecular consequence: synonymous variant.
Genome position (GRCh38, 1-based): chr1:65,618,091, T>C. VCF-style: chr1-65618091-T-C. GRCh37 (hg19) VCF-style: chr1-66083774-T-C.
Other names: c.2340T>C, p.Asp780= (NM_001003679.3, NM_001003680.3, NM_001198687.2 and 2 more transcripts).
Identifiers: ClinVar variation 3351079 (VCV003351079.2).